The following is an entry in ClinVar:

ClinVar aggregate classification (germline): Uncertain significance (1 of 4 stars; one submission).

Allele frequency attached by ClinVar (database versions not stated): gnomAD 0.00001 and 0.00002; gnomAD exomes 0.00001 and 0.00003; TOPMed 0.00002.
gnomAD v4.1: 15 of 1,614,004 alleles (0.00093%); highest among the groups gnomAD compares: Admixed American, 0.012%; no homozygotes.

Submission:

Labcorp Genetics (formerly Invitae), Labcorp
Classification: Uncertain significance. Last evaluated: 2023-01-14. Review status: criteria provided, single submitter. Criteria: Invitae Variant Classification Sherloc (09022015). Collection method: clinical testing. Allele origin: germline.
Comment: In summary, the available evidence is currently insufficient to determine the role of this variant in disease. Therefore, it has been classified as a Variant of Uncertain Significance. Advanced modeling of protein sequence and biophysical properties (such as structural, functional, and spatial information, amino acid conservation, physicochemical variation, residue mobility, and thermodynamic stability) performed at Invitae indicates that this missense variant is not expected to disrupt CDCA7 protein function. ClinVar contains an entry for this variant (Variation ID: 1413423). This variant has not been reported in the literature in individuals affected with CDCA7-related conditions. This variant is present in population databases (no rsID available, gnomAD 0.01%). This sequence change replaces proline, which is neutral and non-polar, with alanine, which is neutral and non-polar, at codon 320 of the CDCA7 protein (p.Pro320Ala).

NM_031942.5(CDCA7):c.958C>G (p.Pro320Ala)

Gene: CDCA7 (cell division cycle associated 7; plus strand). Cytogenetic location: 2q31.1.
Variant type: single nucleotide variant.
Coding change: c.958C>G on transcript NM_031942.5 (MANE Select); coding-DNA position 958, C replaced by G.
Protein change: p.Pro320Ala; replaces proline 320 with alanine.
Molecular consequence: missense variant.
Genome position (GRCh38, 1-based): chr2:173,365,515, C>G. VCF-style: chr2-173365515-C-G. GRCh37 (hg19) VCF-style: chr2-174230243-C-G.
Other names: c.721C>G, p.Pro241Ala (NM_145810.3); short protein forms P320A, P241A.
Identifiers: ClinVar variation 1413423 (VCV001413423.6), dbSNP rs1470538814, ClinGen allele CA349329669.